The following is an entry in ClinVar:

ClinVar aggregate classification (germline): Uncertain significance (1 of 4 stars; one submission).

Allele frequency attached by ClinVar (database versions not stated): ExAC 0.00001; gnomAD exomes 0.00001.
gnomAD v4.1: 21 of 1,613,474 alleles (0.0013%); highest among the groups gnomAD compares: African/African-American, 0.024%; no homozygotes.

Submission:

Labcorp Genetics (formerly Invitae), Labcorp
Classification: Uncertain significance. Last evaluated: 2022-11-03. Review status: criteria provided, single submitter. Criteria: Invitae Variant Classification Sherloc (09022015). Collection method: clinical testing. Allele origin: germline.
Comment: Variants that disrupt the consensus splice site are a relatively common cause of aberrant splicing (PMID: 17576681, 9536098). Algorithms developed to predict the effect of sequence changes on RNA splicing suggest that this variant is not likely to affect RNA splicing. In summary, the available evidence is currently insufficient to determine the role of this variant in disease. Therefore, it has been classified as a Variant of Uncertain Significance. This sequence change falls in intron 5 of the CRAT gene. It does not directly change the encoded amino acid sequence of the CRAT protein. It affects a nucleotide within the consensus splice site. This variant is present in population databases (rs767700154, gnomAD 0.02%). This variant has not been reported in the literature in individuals affected with CRAT-related conditions. ClinVar contains an entry for this variant (Variation ID: 1485213).

Literature cited by the submitters: PubMed 17576681; PubMed 9536098.

NM_000755.5(CRAT):c.631-3C>T

Gene: CRAT (carnitine O-acetyltransferase; minus strand). Cytogenetic location: 9q34.11.
Variant type: single nucleotide variant.
Coding change: c.631-3C>T on transcript NM_000755.5 (MANE Select); 3 bases into the intron before coding-DNA position 631, C replaced by T.
Molecular consequence: intron variant.
Genome position (GRCh38, 1-based): chr9:129,102,060, G>A on the plus strand (C>T on the coding strand, the complement: CRAT is on the minus strand). VCF-style: chr9-129102060-G-A. GRCh37 (hg19) VCF-style: chr9-131864339-G-A.
Other names: c.511-3C>T (NM_001346549.2); c.631-3C>T (NM_001346547.2); c.568-3C>T (NM_001346548.2, NM_001257363.3, NM_004003.4); c.634-3C>T (NM_001346546.2).
Identifiers: ClinVar variation 1485213 (VCV001485213.6), dbSNP rs767700154, ClinGen allele CA5275672.